The following is an entry in ClinVar:

ClinVar aggregate classification (germline): Conflicting classifications of pathogenicity. Review status: criteria provided, conflicting classifications (1 of 4 stars). 3 submissions from 3 submitters: Uncertain significance (1); Likely benign (1). 1 of the submissions does not count toward it. Last evaluated 2026-05-11.

Conditions:
Polycystic kidney disease. Also called: Kidney, Polycystic; Polycystic kidney dysplasia. Identifiers: MedGen C0022680, MeSH D007690, MONDO:0020642, HP:0000113.
PKD1-related disorder. Also called: PKD1-related condition.
Polycystic kidney disease, adult type (PKD1). Also called: Polycystic Kidney, Autosomal Dominant; Polycystic Kidney Disease 1, Autosomal Dominant; Polycystic kidney disease 1; Polycystic kidney disease 1, severe; POLYCYSTIC KIDNEY DISEASE 1 WITH OR WITHOUT POLYCYSTIC LIVER DISEASE; POLYCYSTIC KIDNEY DISEASE, ADULT, TYPE I. Identifiers: MedGen C3149841, MONDO:0008263, OMIM 173900.

Allele frequency attached by ClinVar (database versions not stated): ExAC 0.00001; gnomAD exomes 0.00001 and 0.00002.
gnomAD v4.1: 15 of 1,609,808 alleles (0.00093%); highest among the groups gnomAD compares: South Asian, 0.015%; no homozygotes.

Submissions (3):

Centre for Medical Genetics,  Mumbai
Classification: Likely benign for Polycystic kidney disease, adult type. Last evaluated: 2026-05-11. Review status: criteria provided, single submitter. Criteria: ACMG Guidelines, 2015. Collection method: provider interpretation. Allele origin: germline. Inheritance: Autosomal dominant inheritance. Affected: no. Observed: 1 variant allele, 1 heterozygote.
Comment: The variant satisfies PM2 criteria - extremely low frequency in gnomAD population databases. However, the variant satisfies BS2 criteria - present in heterozygous state in an individual that clinically does not have Polycystic kidney disease.

PreventionGenetics, part of Exact Sciences
Classification: Uncertain significance for PKD1-related condition. Last evaluated: 2025-06-07. Review status: criteria provided, single submitter. Criteria: ACMG Guidelines, 2015. Collection method: clinical testing. Allele origin: germline.
Comment: The PKD1 c.8366A>G variant is predicted to result in the amino acid substitution p.Asp2789Gly. To our knowledge, this variant has not been reported in the literature. This variant is reported in 0.016% of alleles in individuals of South Asian descent in gnomAD. At this time, the clinical significance of this variant is uncertain due to the absence of conclusive functional and genetic evidence.

Department of Pathology and Laboratory Medicine, Sinai Health System
Classification: Uncertain significance for Polycystic Kidney disease. Review status: no assertion criteria provided. Collection method: clinical testing. Allele origin: unknown. Affected: yes. Study: The Canadian Open Genetics Repository (COGR). Not counted in ClinVar's aggregate classification.
Comment: The PKD1 p.Asp2789Gly variant was not identified in the literature, nor was it identified in the 1000 Genomes Project, the NHLBI Exome Sequencing Project, the Exome Aggregation Consortium, GeneInsight COGR, ClinVar, Clinvitae, MutDB, ADPKD Mutation Database or PKD1-LOVD or PKD1-LOVD 3.0 databases.The variant was found only in dbSNP (ID: rs772565411) as â€šÃ„ÃºN/Aâ€šÃ„Ã¹. The p.Asp2789 residue is conserved in mammals and computational analyses (PolyPhen-2, SIFT, AlignGVGD, BLOSUM, MutationTaster) provide inconsistent predictions regarding the impact to the protein; this information is not very predictive of pathogenicity. The variant occurs outside of the splicing consensus sequence and in silico or computational prediction software programs (SpliceSiteFinder, MaxEntScan, NNSPLICE, GeneSplicer, HumanSpliceFinder) do not predict a difference in splicing. In summary, based on the above information, the clinical significance of this variant cannot be determined with certainty at this time. This variant is classified as a variant of uncertain significance.

Literature cited by the submitters: PubMed 7633405 (cited by Centre for Medical Genetics,  Mumbai).

NM_001009944.3(PKD1):c.8366A>G (p.Asp2789Gly)

Gene: PKD1 (polycystin 1, transient receptor potential channel interacting; minus strand). Cytogenetic location: 16p13.3.
Variant type: single nucleotide variant.
Coding change: c.8366A>G on transcript NM_001009944.3 (MANE Select); coding-DNA position 8366, A replaced by G.
Protein change: p.Asp2789Gly; replaces aspartic acid 2789 with glycine.
Molecular consequence: missense variant.
Genome position (GRCh38, 1-based): chr16:2,103,691, T>C on the plus strand (A>G on the coding strand, the complement: PKD1 is on the minus strand). VCF-style: chr16-2103691-T-C. GRCh37 (hg19) VCF-style: chr16-2153692-T-C.
Other names: c.8366A>G (NM_001009944.2); c.8366A>G, p.Asp2789Gly (NM_000296.4); short protein forms D2789G.
Identifiers: ClinVar variation 997250 (VCV000997250.3), dbSNP rs772565411, ClinGen allele CA7830547.